The following is an entry in ClinVar:

NM_001039141.3(TRIOBP):c.4244G>A (p.Ser1415Asn)

Gene: TRIOBP (TRIO and F-actin binding protein; plus strand). Cytogenetic location: 22q13.1.
Variant type: single nucleotide variant.
Coding change: c.4244G>A on transcript NM_001039141.3 (MANE Select); coding-DNA position 4244, G replaced by A.
Protein change: p.Ser1415Asn; replaces serine 1415 with asparagine.
Molecular consequence: missense variant.
Genome position (GRCh38, 1-based): chr22:37,734,580, G>A. VCF-style: chr22-37734580-G-A. GRCh37 (hg19) VCF-style: chr22-38130587-G-A.
Other names: short protein forms S1415N.
Identifiers: ClinVar variation 179872 (VCV000179872.5), dbSNP rs727505184, ClinGen allele CA185317.

ClinVar aggregate classification (germline): Likely benign (1 of 4 stars; one submission).

Submission:

Laboratory for Molecular Medicine, Mass General Brigham Personalized Medicine
Classification: Likely benign. Last evaluated: 2014-08-07. Review status: criteria provided, single submitter. Criteria: LMM Criteria. Collection method: clinical testing. Allele origin: germline. Observed: 1 variant allele.
Comment: Ser1415Asn in exon 9 of TRIOBP: This variant is not expected to have clinical s ignificance due to a lack of conservation across species, including mammals. Of note, opossum, Tasmanian devil, and wallaby have an asparagine (Asn) at this pos ition.